The following is an entry in ClinVar:

ClinVar aggregate classification (germline): Uncertain significance (1 of 4 stars; one submission).

Conditions:
Galactosylceramide beta-galactosidase deficiency. Also called: Leukodystrophy, Globoid Cell; Krabbe Disease; GALACTOCEREBROSIDASE DEFICIENCY; GALC DEFICIENCY; GLOBOID CELL LEUKOENCEPHALOPATHY. Identifiers: Orphanet 487, MedGen C0023521, MONDO:0009499, OMIM 245200.

Allele frequency attached by ClinVar (database versions not stated): TOPMed 0.00002; 1000 Genomes Project 0.00020; 1000 Genomes Project 30x 0.00031.
gnomAD v4.1: 5 of 1,612,790 alleles (0.00031%); highest among the groups gnomAD compares: African/African-American, 0.0067%; no homozygotes.

Submission:

Labcorp Genetics (formerly Invitae), Labcorp
Classification: Uncertain significance for Galactosylceramide beta-galactosidase deficiency. Last evaluated: 2023-08-29. Review status: criteria provided, single submitter. Criteria: Invitae Variant Classification Sherloc (09022015). Collection method: clinical testing. Allele origin: germline.
Comment: In summary, the available evidence is currently insufficient to determine the role of this variant in disease. Therefore, it has been classified as a Variant of Uncertain Significance. Advanced modeling of protein sequence and biophysical properties (such as structural, functional, and spatial information, amino acid conservation, physicochemical variation, residue mobility, and thermodynamic stability) performed at Invitae indicates that this missense variant is not expected to disrupt GALC protein function. ClinVar contains an entry for this variant (Variation ID: 2419053). This variant has not been reported in the literature in individuals affected with GALC-related conditions. This variant is present in population databases (rs534171316, gnomAD 0.008%). This sequence change replaces leucine, which is neutral and non-polar, with isoleucine, which is neutral and non-polar, at codon 466 of the GALC protein (p.Leu466Ile).

NM_000153.4(GALC):c.1396C>A (p.Leu466Ile)

Gene: GALC (galactosylceramidase; minus strand). Cytogenetic location: 14q31.3.
Variant type: single nucleotide variant.
Coding change: c.1396C>A on transcript NM_000153.4 (MANE Select); coding-DNA position 1396, C replaced by A.
Protein change: p.Leu466Ile; replaces leucine 466 with isoleucine.
Molecular consequence: missense variant.
Genome position (GRCh38, 1-based): chr14:87,947,821, G>T on the plus strand (C>A on the coding strand, the complement: GALC is on the minus strand). VCF-style: chr14-87947821-G-T. GRCh37 (hg19) VCF-style: chr14-88414165-G-T.
Other names: c.1327C>A, p.Leu443Ile (NM_001201401.2); c.1318C>A, p.Leu440Ile (NM_001201402.2); short protein forms L440I, L443I, L466I.
Identifiers: ClinVar variation 2419053 (VCV002419053.10), dbSNP rs534171316, ClinGen allele CA7297022.